The following is an entry in ClinVar:

NM_000256.3(MYBPC3):c.1256G>T (p.Arg419Leu)

Gene: MYBPC3 (myosin binding protein C3; minus strand). Cytogenetic location: 11p11.2.
Variant type: single nucleotide variant.
Coding change: c.1256G>T on transcript NM_000256.3 (MANE Select); coding-DNA position 1256, G replaced by T.
Protein change: p.Arg419Leu; replaces arginine 419 with leucine.
Molecular consequence: missense variant.
Genome position (GRCh38, 1-based): chr11:47,343,116, C>A on the plus strand (G>T on the coding strand, the complement: MYBPC3 is on the minus strand). VCF-style: chr11-47343116-C-A. GRCh37 (hg19) VCF-style: chr11-47364667-C-A.
Other names: short protein forms R419L.
Identifiers: ClinVar variation 3667332 (VCV003667332.2).
Genomic context (GRCh38, chr11:47,343,116, plus strand): 5'-CCCACCACGCACTGGTAGGCTGCGTCGTCCGCCAATGAGCACTGGCTGATGGTCAGGGTA[C>A]GCTTGGCACCGATGGACTCAAAGATGTACCTGGGTGGGGGCCGCAGGGAAGTGGCAGGAA-3'
Protein context (NP_000247.2, residues 409-429): KYIFESIGAK[Arg419Leu]TLTISQCSLA

ClinVar aggregate classification (germline): Uncertain significance (1 of 4 stars; one submission).

Conditions:
Hypertrophic cardiomyopathy. Also called: HYPERTROPHIC MYOCARDIOPATHY. Identifiers: Orphanet 217569, MedGen C0007194, MeSH D002312, MONDO:0005045, HP:0001639.

Submission:

Labcorp Genetics (formerly Invitae), Labcorp
Classification: Uncertain significance for Hypertrophic cardiomyopathy. Last evaluated: 2024-09-09. Review status: criteria provided, single submitter. Criteria: Invitae Variant Classification Sherloc (09022015). Collection method: clinical testing. Allele origin: germline.
Comment: This sequence change replaces arginine, which is basic and polar, with leucine, which is neutral and non-polar, at codon 419 of the MYBPC3 protein (p.Arg419Leu). This variant is not present in population databases (gnomAD no frequency). This variant has not been reported in the literature in individuals affected with MYBPC3-related conditions. An algorithm developed to predict the effect of missense changes on protein structure and function (PolyPhen-2) suggests that this variant is likely to be disruptive. In summary, the available evidence is currently insufficient to determine the role of this variant in disease. Therefore, it has been classified as a Variant of Uncertain Significance.